The following is an entry in ClinVar:

NM_033310.3(KCNK4):c.328G>A (p.Ala110Thr)

Genes: KCNK4 (potassium two pore domain channel subfamily K member 4; plus strand), KCNK4-CATSPERZ (KCNK4-CATSPERZ readthrough (NMD candidate); plus strand). Cytogenetic location: 11q13.1.
Variant type: single nucleotide variant.
Coding change: c.328G>A on transcript NM_033310.3 (MANE Select); coding-DNA position 328, G replaced by A.
Protein change: p.Ala110Thr; replaces alanine 110 with threonine.
Molecular consequence: missense variant. On other transcripts: non-coding transcript variant (3).
Genome position (GRCh38, 1-based): chr11:64,297,133, G>A. VCF-style: chr11-64297133-G-A. GRCh37 (hg19) VCF-style: chr11-64064605-G-A.
Other names: c.328G>A, p.Ala110Thr (NM_001317090.2, NM_033311.1); short protein forms A110T.
Identifiers: ClinVar variation 1923427 (VCV001923427.5), dbSNP rs750358920, ClinGen allele CA6073021.

ClinVar aggregate classification (germline): Uncertain significance (1 of 4 stars; one submission).

Allele frequency attached by ClinVar (database versions not stated): gnomAD exomes 0.00001; ExAC 0.00002.
gnomAD v4.1: 9 of 1,614,154 alleles (0.00056%); highest among the groups gnomAD compares: South Asian, 0.0066%; no homozygotes.

Submission:

Labcorp Genetics (formerly Invitae), Labcorp
Classification: Uncertain significance. Last evaluated: 2024-07-25. Review status: criteria provided, single submitter. Criteria: Invitae Variant Classification Sherloc (09022015). Collection method: clinical testing. Allele origin: germline.
Comment: This sequence change replaces alanine, which is neutral and non-polar, with threonine, which is neutral and polar, at codon 110 of the KCNK4 protein (p.Ala110Thr). This variant is present in population databases (rs750358920, gnomAD 0.02%). This variant has not been reported in the literature in individuals affected with KCNK4-related conditions. ClinVar contains an entry for this variant (Variation ID: 1923427). An algorithm developed to predict the effect of missense changes on protein structure and function (PolyPhen-2) suggests that this variant is likely to be tolerated. In summary, the available evidence is currently insufficient to determine the role of this variant in disease. Therefore, it has been classified as a Variant of Uncertain Significance.